The following is an entry in ClinVar:

ClinVar aggregate classification (germline): Uncertain significance. Review status: criteria provided, multiple submitters, no conflicts (2 of 4 stars). 2 submissions from 2 submitters: Uncertain significance (2). Last evaluated 2023-07-07.

Allele frequency attached by ClinVar (database versions not stated): gnomAD exomes below 0.00001 and 0.00001; TOPMed below 0.00001; ExAC 0.00001.
gnomAD v4.1: 10 of 1,585,518 alleles (0.00063%); highest among the groups gnomAD compares: South Asian, 0.0023%; no homozygotes.

Submissions (2):

Labcorp Genetics (formerly Invitae), Labcorp
Classification: Uncertain significance. Last evaluated: 2023-07-07. Review status: criteria provided, single submitter. Criteria: Invitae Variant Classification Sherloc (09022015). Collection method: clinical testing. Allele origin: germline.
Comment: The frequency data for this variant in the population databases is considered unreliable, as metrics indicate poor data quality at this position in the gnomAD database. This variant has not been reported in the literature in individuals affected with OBSL1-related conditions. ClinVar contains an entry for this variant (Variation ID: 1035173). An algorithm developed to predict the effect of missense changes on protein structure and function (PolyPhen-2) suggests that this variant is likely to be disruptive. In summary, the available evidence is currently insufficient to determine the role of this variant in disease. Therefore, it has been classified as a Variant of Uncertain Significance. This sequence change replaces threonine, which is neutral and polar, with alanine, which is neutral and non-polar, at codon 328 of the OBSL1 protein (p.Thr328Ala).

Breakthrough Genomics
Classification: Uncertain significance. Review status: criteria provided, single submitter. Criteria: ACMG Guidelines, 2015. Collection method: not provided. Allele origin: germline. Inheritance: Autosomal recessive inheritance. Affected: yes.

NM_015311.3(OBSL1):c.982A>G (p.Thr328Ala)

Gene: OBSL1 (obscurin like cytoskeletal adaptor 1; minus strand). Cytogenetic location: 2q35.
Variant type: single nucleotide variant.
Coding change: c.982A>G on transcript NM_015311.3 (MANE Select); coding-DNA position 982, A replaced by G.
Protein change: p.Thr328Ala; replaces threonine 328 with alanine.
Molecular consequence: missense variant.
Genome position (GRCh38, 1-based): chr2:219,570,251, T>C on the plus strand (A>G on the coding strand, the complement: OBSL1 is on the minus strand). VCF-style: chr2-219570251-T-C. GRCh37 (hg19) VCF-style: chr2-220434973-T-C.
Other names: c.982A>G, p.Thr328Ala (NM_001173408.2, NM_001173431.2); short protein forms T328A.
Identifiers: ClinVar variation 1035173 (VCV001035173.8), dbSNP rs759218624, ClinGen allele CA2131688.